The following is an entry in ClinVar:

ClinVar aggregate classification (germline): Uncertain significance (1 of 4 stars; one submission).

Conditions:
Autosomal dominant Parkinson disease 8. Also called: LRRK2-Related Parkinson Disease; Parkinson disease 8; Parkinson disease 8, susceptibility to. Identifiers: Orphanet 411602, MedGen C1846862, MONDO:0011764, OMIM 607060.

Allele frequency attached by ClinVar (database versions not stated): gnomAD exomes below 0.00001; TOPMed below 0.00001; gnomAD 0.00001.
gnomAD v4.1: 4 of 1,613,954 alleles (0.00025%); highest among the groups gnomAD compares: African/African-American, 0.0027%; no homozygotes.

Submission:

Labcorp Genetics (formerly Invitae), Labcorp
Classification: Uncertain significance for Autosomal dominant Parkinson disease 8. Last evaluated: 2022-03-02. Review status: criteria provided, single submitter. Criteria: Invitae Variant Classification Sherloc (09022015). Collection method: clinical testing. Allele origin: germline.
Comment: This sequence change replaces glycine, which is neutral and non-polar, with arginine, which is basic and polar, at codon 8 of the LRRK2 protein (p.Gly8Arg). In summary, the available evidence is currently insufficient to determine the role of this variant in disease. Therefore, it has been classified as a Variant of Uncertain Significance. Algorithms developed to predict the effect of missense changes on protein structure and function (SIFT, PolyPhen-2, Align-GVGD) all suggest that this variant is likely to be tolerated. This variant has not been reported in the literature in individuals affected with LRRK2-related conditions. This variant is present in population databases (no rsID available, gnomAD 0.005%).

NM_198578.4(LRRK2):c.22G>A (p.Gly8Arg)

Gene: LRRK2 (leucine rich repeat kinase 2; plus strand). Cytogenetic location: 12q12.
Variant type: single nucleotide variant.
Coding change: c.22G>A on transcript NM_198578.4 (MANE Select); coding-DNA position 22, G replaced by A.
Protein change: p.Gly8Arg; replaces glycine 8 with arginine.
Molecular consequence: missense variant.
Genome position (GRCh38, 1-based): chr12:40,225,153, G>A. VCF-style: chr12-40225153-G-A. GRCh37 (hg19) VCF-style: chr12-40618955-G-A.
Other names: short protein forms G8R.
Identifiers: ClinVar variation 2174023 (VCV002174023.4), dbSNP rs981632250, ClinGen allele CA235343462.